The following is an entry in ClinVar:

NM_001943.5(DSG2):c.2276G>A (p.Gly759Glu)

Genes: DSG2 (desmoglein 2; plus strand), DSG2-AS1 (DSG2 antisense RNA 1; minus strand). Cytogenetic location: 18q12.1.
Variant type: single nucleotide variant.
Coding change: c.2276G>A on transcript NM_001943.5 (MANE Select); coding-DNA position 2276, G replaced by A.
Protein change: p.Gly759Glu; replaces glycine 759 with glutamic acid.
Molecular consequence: missense variant.
Genome position (GRCh38, 1-based): chr18:31,542,794, G>A. VCF-style: chr18-31542794-G-A. GRCh37 (hg19) VCF-style: chr18-29122757-G-A.
Other names: short protein forms G759E.
Identifiers: ClinVar variation 4803007 (VCV004803007.1).

ClinVar aggregate classification (germline): Uncertain significance (1 of 4 stars; one submission).

Conditions:
Arrhythmogenic right ventricular dysplasia 10. Also called: Arrhythmogenic Right Ventricular Dysplasia/Cardiomyopathy10; ARRHYTHMOGENIC RIGHT VENTRICULAR DYSPLASIA, FAMILIAL, 10; Arrhythmogenic right ventricular dysplasia/cardiomyopathy, type 10. Identifiers: MedGen C1857777, MONDO:0012434, OMIM 610193.

Submission:

Labcorp Genetics (formerly Invitae), Labcorp
Classification: Uncertain significance for Arrhythmogenic right ventricular dysplasia 10. Last evaluated: 2025-12-20. Review status: criteria provided, single submitter. Criteria: Invitae Variant Classification Sherloc (09022015). Collection method: clinical testing. Allele origin: germline.
Comment: This sequence change replaces glycine, which is neutral and non-polar, with glutamic acid, which is acidic and polar, at codon 759 of the DSG2 protein (p.Gly759Glu). This variant is not present in population databases (gnomAD no frequency). This variant has not been reported in the literature in individuals affected with DSG2-related conditions. Invitae Evidence Modeling of protein sequence and biophysical properties (such as structural, functional, and spatial information, amino acid conservation, physicochemical variation, residue mobility, and thermodynamic stability) indicates that this missense variant is not expected to disrupt DSG2 protein function with a negative predictive value of 95%. In summary, the available evidence is currently insufficient to determine the role of this variant in disease. Therefore, it has been classified as a Variant of Uncertain Significance.